The following is an entry in ClinVar:

NM_004958.4(MTOR):c.4888G>A (p.Val1630Ile)

Gene: MTOR (mechanistic target of rapamycin kinase; minus strand). Cytogenetic location: 1p36.22.
Variant type: single nucleotide variant.
Coding change: c.4888G>A on transcript NM_004958.4 (MANE Select); coding-DNA position 4888, G replaced by A.
Protein change: p.Val1630Ile; replaces valine 1630 with isoleucine.
Molecular consequence: missense variant.
Genome position (GRCh38, 1-based): chr1:11,139,643, C>T on the plus strand (G>A on the coding strand, the complement: MTOR is on the minus strand). VCF-style: chr1-11139643-C-T. GRCh37 (hg19) VCF-style: chr1-11199700-C-T.
Other names: c.4888G>A, p.Val1630Ile (NM_001386500.1); c.3640G>A, p.Val1214Ile (NM_001386501.1); short protein forms V1214I, V1630I.
Identifiers: ClinVar variation 3628034 (VCV003628034.2).

ClinVar aggregate classification (germline): Uncertain significance (1 of 4 stars; one submission).

gnomAD v4.1: 2 of 1,614,186 alleles (0.00012%); highest among the groups gnomAD compares: East Asian, 0.0022%; no homozygotes.

Submission:

Labcorp Genetics (formerly Invitae), Labcorp
Classification: Uncertain significance. Last evaluated: 2024-08-18. Review status: criteria provided, single submitter. Criteria: Invitae Variant Classification Sherloc (09022015). Collection method: clinical testing. Allele origin: germline.
Comment: This sequence change replaces valine, which is neutral and non-polar, with isoleucine, which is neutral and non-polar, at codon 1630 of the MTOR protein (p.Val1630Ile). This variant is not present in population databases (gnomAD no frequency). This variant has not been reported in the literature in individuals affected with MTOR-related conditions. Invitae Evidence Modeling of protein sequence and biophysical properties (such as structural, functional, and spatial information, amino acid conservation, physicochemical variation, residue mobility, and thermodynamic stability) indicates that this missense variant is not expected to disrupt MTOR protein function with a negative predictive value of 95%. In summary, the available evidence is currently insufficient to determine the role of this variant in disease. Therefore, it has been classified as a Variant of Uncertain Significance.